The following is an entry in ClinVar:

ClinVar aggregate classification (germline): Uncertain significance. Review status: criteria provided, multiple submitters, no conflicts (2 of 4 stars). 3 submissions from 3 submitters: Uncertain significance (3). Last evaluated 2024-09-23.

Conditions:
Inborn genetic diseases. Identifiers: MedGen C0950123, MeSH D030342.

Allele frequency attached by ClinVar (database versions not stated): gnomAD exomes below 0.00001.
gnomAD v4.1: 1 of 1,612,596 alleles (0.000062%); highest among the groups gnomAD compares: Non-Finnish European, 0.000085%; no homozygotes.

Submissions (3):

Labcorp Genetics (formerly Invitae), Labcorp
Classification: Uncertain significance. Last evaluated: 2024-09-23. Review status: criteria provided, single submitter. Criteria: Invitae Variant Classification Sherloc (09022015). Collection method: clinical testing. Allele origin: germline.
Comment: This sequence change replaces glycine, which is neutral and non-polar, with valine, which is neutral and non-polar, at codon 65 of the FGFR3 protein (p.Gly65Val). This variant is not present in population databases (gnomAD no frequency). This variant has not been reported in the literature in individuals affected with FGFR3-related conditions. ClinVar contains an entry for this variant (Variation ID: 2306111). Invitae Evidence Modeling of protein sequence and biophysical properties (such as structural, functional, and spatial information, amino acid conservation, physicochemical variation, residue mobility, and thermodynamic stability) indicates that this missense variant is not expected to disrupt FGFR3 protein function with a negative predictive value of 95%. In summary, the available evidence is currently insufficient to determine the role of this variant in disease. Therefore, it has been classified as a Variant of Uncertain Significance.

GeneDx
Classification: Uncertain significance. Last evaluated: 2023-12-13. Review status: criteria provided, single submitter. Criteria: GeneDx Variant Classification Process June 2021. Collection method: clinical testing. Allele origin: germline. Affected: yes.
Comment: Not observed at significant frequency in large population cohorts (gnomAD); In silico analysis supports that this missense variant does not alter protein structure/function; Has not been previously published as pathogenic or benign to our knowledge

Ambry Genetics
Classification: Uncertain significance for Inborn genetic diseases. Last evaluated: 2022-08-08. Review status: criteria provided, single submitter. Criteria: Ambry Variant Classification Scheme 2023. Collection method: clinical testing. Allele origin: germline.

NM_000142.5(FGFR3):c.194G>T (p.Gly65Val)

Gene: FGFR3 (fibroblast growth factor receptor 3; plus strand). Cytogenetic location: 4p16.3.
Variant type: single nucleotide variant.
Coding change: c.194G>T on transcript NM_000142.5 (MANE Select); coding-DNA position 194, G replaced by T.
Protein change: p.Gly65Val; replaces glycine 65 with valine.
Molecular consequence: missense variant. On other transcripts: non-coding transcript variant (1).
Genome position (GRCh38, 1-based): chr4:1,799,338, G>T. VCF-style: chr4-1799338-G-T. GRCh37 (hg19) VCF-style: chr4-1801065-G-T.
Other names: c.194G>T, p.Gly65Val (NM_001163213.2, NM_001354809.2, NM_001354810.2 and 1 more transcripts); short protein forms G65V.
Identifiers: ClinVar variation 2306111 (VCV002306111.5), dbSNP rs2546795309, ClinGen allele CA355972502.
Genomic context (GRCh38, chr4:1,799,338, plus strand): 5'-AGCAGGAGCAGTTGGTCTTCGGCAGCGGGGATGCTGTGGAGCTGAGCTGTCCCCCGCCCG[G>T]GGGTGGTCCCATGGGGCCCACTGTCTGGGTCAAGGATGGCACAGGGCTGGTGCCCTCGGA-3'
Protein context (NP_000133.1, residues 55-75): DAVELSCPPP[Gly65Val]GGPMGPTVWV